The following is an entry in ClinVar:

ClinVar aggregate classification (germline): Benign (1 of 4 stars; one submission).

Allele frequency attached by ClinVar (database versions not stated): gnomAD exomes 0.00023; gnomAD 0.00146 and 0.00155; TOPMed 0.00179; 1000 Genomes Project 0.00260; 1000 Genomes Project 30x 0.00328.
gnomAD v4.1: 307 of 510,408 alleles (0.06%); highest among the groups gnomAD compares: African/African-American, 0.53%; 2 homozygotes.

Submission:

GeneDx
Classification: Benign. Last evaluated: 2014-01-03. Review status: criteria provided, single submitter. Criteria: GeneDx Variant Classification (06012015). Collection method: clinical testing. Allele origin: germline. Affected: yes.
Comment: This variant is considered likely benign or benign based on one or more of the following criteria: it is a conservative change, it occurs at a poorly conserved position in the protein, it is predicted to be benign by multiple in silico algorithms, and/or has population frequency not consistent with disease.

NM_007194.4(CHEK2):c.-40G>T

Gene: CHEK2 (checkpoint kinase 2; minus strand). Cytogenetic location: 22q12.1.
Variant type: single nucleotide variant.
Coding change: c.-40G>T on transcript NM_007194.4 (MANE Select); 40 bases upstream of the start codon, G replaced by T.
Molecular consequence: 5 prime UTR variant.
Genome position (GRCh38, 1-based): chr22:28,741,802, C>A on the plus strand (G>T on the coding strand, the complement: CHEK2 is on the minus strand). VCF-style: chr22-28741802-C-A. GRCh37 (hg19) VCF-style: chr22-29137790-C-A.
Other names: c.-40G>T (NM_001005735.3, NM_001349956.3, NM_145862.3); c.-817G>T (NM_001257387.3).
Identifiers: ClinVar variation 136746 (VCV000136746.1), dbSNP rs142541707, ClinGen allele CA290073.